The following is an entry in ClinVar:

NM_006514.4(SCN10A):c.5047C>T (p.Pro1683Ser)

Gene: SCN10A (sodium voltage-gated channel alpha subunit 10; minus strand). Cytogenetic location: 3p22.2.
Variant type: single nucleotide variant.
Coding change: c.5047C>T on transcript NM_006514.4 (MANE Select); coding-DNA position 5047, C replaced by T.
Protein change: p.Pro1683Ser; replaces proline 1683 with serine.
Molecular consequence: missense variant.
Genome position (GRCh38, 1-based): chr3:38,698,173, G>A on the plus strand (C>T on the coding strand, the complement: SCN10A is on the minus strand). VCF-style: chr3-38698173-G-A. GRCh37 (hg19) VCF-style: chr3-38739664-G-A.
Other names: c.5044C>T, p.Pro1682Ser (NM_001293306.2); c.4753C>T, p.Pro1585Ser (NM_001293307.2); short protein forms P1683S, P1682S, P1585S.
Identifiers: ClinVar variation 463263 (VCV000463263.15), dbSNP rs146999807, ClinGen allele CA2319749.
Genomic context (GRCh38, chr3:38,698,173, plus strand): 5'-TGAAGAAGATGATGCCTACGGCTGGGCTCCCACAGTCCCCTCTGGTGCCATTGCTGTTGG[G>A]CAGATTGGGGTCACAGTAGGGGGGCCCTGTGTTGAGGATGGGGCTGAGGAGGCCATCCCA-3'
Protein context (NP_006505.4, residues 1673-1693): TGPPYCDPNL[Pro1683Ser]NSNGTRGDCG

ClinVar aggregate classification (germline): Benign/Likely benign. Review status: criteria provided, multiple submitters, no conflicts (2 of 4 stars). 6 submissions from 6 submitters: Benign (5); Likely benign (1). Last evaluated 2026-03-25.

Conditions:
Cardiovascular phenotype. Identifiers: MedGen CN230736.
SCN10A-related disorder. Also called: SCN10A-related condition.
Episodic pain syndrome, familial, 2 (FEPS2). Identifiers: Orphanet 306577, MedGen C3809893, MONDO:0014246, OMIM 615551.
Brugada syndrome. Also called: Sudden unexpected nocturnal death syndrome; Sudden unexplained nocturnal death syndrome; Sudden Unexplained Death Syndrome; Sudden Unexplained Nocturnal Death Syndrome (SUNDS). Identifiers: Orphanet 130, MedGen C1142166, MONDO:0015263.

Allele frequency attached by ClinVar (database versions not stated): gnomAD exomes 0.00024 and 0.00093; gnomAD 0.00025 and 0.00035; TOPMed 0.00049; ExAC 0.00083; 1000 Genomes Project 30x 0.00219; 1000 Genomes Project 0.00240.
gnomAD v4.1: 415 of 1,614,136 alleles (0.026%); highest among the groups gnomAD compares: East Asian, 0.88%; 1 homozygote.

Submissions (6):

PreventionGenetics, part of Exact Sciences
Classification: Benign for SCN10A-related condition. Last evaluated: 2026-03-25. Review status: criteria provided, single submitter. Criteria: ACMG Guidelines, 2015. Collection method: clinical testing. Allele origin: germline.
Comment: This variant is classified as benign based on ACMG/AMP sequence variant interpretation guidelines (Richards et al. 2015 PMID: 25741868, with internal and published modifications).

Labcorp Genetics (formerly Invitae), Labcorp
Classification: Benign for Brugada syndrome. Last evaluated: 2025-12-12. Review status: criteria provided, single submitter. Criteria: Invitae Variant Classification Sherloc (09022015). Collection method: clinical testing. Allele origin: germline.

Blueprint Genetics
Classification: Benign. Last evaluated: 2024-10-08. Review status: criteria provided, single submitter. Criteria: ACMG Guidelines, 2015. Collection method: clinical testing. Allele origin: germline.

Fulgent Genetics
Classification: Benign for Episodic pain syndrome, familial, 2. Last evaluated: 2021-07-27. Review status: criteria provided, single submitter. Criteria: ACMG Guidelines, 2015. Collection method: clinical testing. Allele origin: unknown.

Ambry Genetics
Classification: Likely benign for Cardiovascular phenotype. Last evaluated: 2019-05-15. Review status: criteria provided, single submitter. Criteria: Ambry Variant Classification Scheme 2023. Collection method: clinical testing. Allele origin: germline.

GeneDx
Classification: Benign. Last evaluated: 2018-01-17. Review status: criteria provided, single submitter. Criteria: GeneDx Variant Classification (06012015). Collection method: clinical testing. Allele origin: germline. Affected: yes.
Comment: This variant is considered likely benign or benign based on one or more of the following criteria: it is a conservative change, it occurs at a poorly conserved position in the protein, it is predicted to be benign by multiple in silico algorithms, and/or has population frequency not consistent with disease.